The following is an entry in ClinVar:

ClinVar aggregate classification (germline): Likely pathogenic. Review status: criteria provided, multiple submitters, no conflicts (2 of 4 stars). 3 submissions from 3 submitters: Likely pathogenic (2). 1 of the submissions does not count toward it. Last evaluated 2025-08-11.

Conditions:
Deficiency of galactokinase. Also called: GALACTOSEMIA II; Galactokinase deficiency with cataracts. Identifiers: Orphanet 352, Orphanet 79237, MedGen C0268155, MONDO:0009255, OMIM 230200.

Allele frequency attached by ClinVar (database versions not stated): gnomAD exomes below 0.00001; TOPMed below 0.00001; gnomAD 0.00001.

Submissions (3):

Natera, Inc.
Classification: Likely pathogenic for Deficiency of galactokinase. Last evaluated: 2025-08-11. Review status: criteria provided, single submitter. Criteria: Natera Variant Classification Schema (03/2026). Collection method: clinical testing. Allele origin: germline.
Comment: The c.919_921delATG variant in GALK1 is an in-frame deletion predicted to remove methionine at amino acid 307 while preserving the reading frame. This variant is rare in the general population with a frequency below the threshold expected for the associated phenotype(s). This variant has been observed in one or more individuals affected with the associated recessive disease, as either homozygous or compound heterozygous with a second variant (PMID: 28429145). This variant results in a change to the protein length while preserving reading frame, which may disrupt normal protein structure or function. Computational prediction algorithms indicate this variant is likely to affect gene or protein function. Given the available evidence, this variant is classified as Likely Pathogenic.

Baylor Genetics
Classification: Likely pathogenic for Deficiency of galactokinase. Last evaluated: 2022-07-17. Review status: criteria provided, single submitter. Criteria: ACMG Guidelines, 2015. Collection method: clinical testing. Allele origin: unknown.

Counsyl
Classification: Uncertain significance for Deficiency of galactokinase. Last evaluated: 2018-04-20. Review status: no assertion criteria provided. Collection method: clinical testing. Allele origin: unknown. Not counted in ClinVar's aggregate classification.

Literature cited by the submitters: PubMed 28429145 (cited by Natera, Inc. and Counsyl).

NM_000154.2(GALK1):c.919_921del (p.Met307del)

Gene: GALK1 (galactokinase 1; minus strand). Cytogenetic location: 17q25.1.
Variant type: Deletion.
Coding change: c.919_921del on transcript NM_000154.2 (MANE Select); coding-DNA positions 919 to 921, 3 bases deleted (ATG; older notation c.919_921delATG).
Protein change: p.Met307del; deletes methionine 307.
Molecular consequence: inframe deletion.
Genome position (GRCh38, 1-based): chr17:75,758,472-75,758,474, CAT deleted on the plus strand (ATG on the coding strand, the reverse complement: GALK1 is on the minus strand). VCF-style (leftmost placement, unchanged base first): chr17-75758471-CCAT-C. GRCh37 (hg19) VCF-style: chr17-73754552-CCAT-C.
Other names: short protein forms M307del.
Identifiers: ClinVar variation 557932 (VCV000557932.4), dbSNP rs1247635972, ClinGen allele CA645599108.